The following is an entry in ClinVar:

NM_173651.4(FSIP2):c.163G>A (p.Val55Ile)

Genes: FSIP2 (fibrous sheath interacting protein 2; plus strand), FSIP2-AS2 (FSIP2 antisense RNA 2; minus strand). Cytogenetic location: 2q32.1.
Variant type: single nucleotide variant.
Coding change: c.163G>A on transcript NM_173651.4 (MANE Select); coding-DNA position 163, G replaced by A.
Protein change: p.Val55Ile; replaces valine 55 with isoleucine.
Molecular consequence: missense variant.
Genome position (GRCh38, 1-based): chr2:185,739,409, G>A. VCF-style: chr2-185739409-G-A. GRCh37 (hg19) VCF-style: chr2-186604136-G-A.
Other names: short protein forms V55I.
Identifiers: ClinVar variation 5022054 (VCV005022054.1).
Genomic context (GRCh38, chr2:185,739,409, plus strand): 5'-GTGCACAAAACCCACTTTGCAGGGGTTGGACCGGCTCAGCTACTGGACCTACCTCTCGGG[G>A]TCAAGCTGCCTGTGATCCCAGGAAGCAATGCTGTATTCTATACTACGAATTTCGGTGAAA-3'
Protein context (NP_775922.3, residues 45-65): PAQLLDLPLG[Val55Ile]KLPVIPGSNA

ClinVar aggregate classification (germline): Uncertain significance (1 of 4 stars; one submission).

gnomAD v4.1: 9 of 1,535,148 alleles (0.00059%); highest among the groups gnomAD compares: Middle Eastern, 0.017%; no homozygotes.

Submission:

Ambry Genetics
Classification: Uncertain significance. Last evaluated: 2026-08-13. Review status: criteria provided, single submitter. Criteria: Ambry Variant Classification Scheme 2023. Collection method: clinical testing. Allele origin: germline.
Comment: The c.430G>A (p.V144I) alteration is located in exon 2 (coding exon 2) of the FSIP2 gene. This alteration results from a G to A substitution at nucleotide position 430, causing the valine (V) at amino acid position 144 to be replaced by an isoleucine (I). Based on data from gnomAD, the A allele has an overall frequency of 0.002% (3/136972) total alleles studied. The highest observed frequency was 0.008% (2/24264) of Latino alleles. Based on insufficient or conflicting evidence, the clinical significance of this alteration remains unclear.